The following is an entry in ClinVar:

NM_001139.3(ALOX12B):c.292del (p.His98fs)

Gene: ALOX12B (arachidonate 12-lipoxygenase, 12R type; minus strand). Cytogenetic location: 17p13.1.
Variant type: Deletion.
Coding change: c.292del on transcript NM_001139.3 (MANE Select); coding-DNA position 292, one base deleted (C; older notation c.292delC).
Protein change: p.His98fs; shifts the reading frame from histidine 98.
Molecular consequence: frameshift variant.
Genome position (GRCh38, 1-based): chr17:8,086,076, G deleted on the plus strand (C on the coding strand, the reverse complement: ALOX12B is on the minus strand); the first of 2 consecutive G bases (chr17:8,086,076-8,086,077); deleting either gives the same sequence. VCF-style (leftmost placement, unchanged base first): chr17-8086075-TG-T. GRCh37 (hg19) VCF-style: chr17-7989393-TG-T.
Other names: c.292del, p.His98fs (LRG_1264t1); short protein forms H98fs.
Identifiers: ClinVar variation 451606 (VCV000451606.6), dbSNP rs1555643912, ClinGen allele CA624868488.
Genomic context (GRCh38, chr17:8,086,075, plus strand): 5'-CCTGTGGCCTCCCGGAGTGCCAGGGTCTCGTAGCCATCCATCCACTGGTAGGCGGGGAAG[TG>T]GTAGATACGGCCGTTGGGGGCACAGATCTGCACATAGTTGCAGTACCAAGGGTCCTTGGG-3'

ClinVar aggregate classification (germline): Pathogenic/Likely pathogenic. Review status: criteria provided, multiple submitters, no conflicts (2 of 4 stars). 2 submissions from 2 submitters: Pathogenic (1); Likely pathogenic (1). Last evaluated 2022-06-27.

Submissions (2):

Labcorp Genetics (formerly Invitae), Labcorp
Classification: Pathogenic. Last evaluated: 2022-06-27. Review status: criteria provided, single submitter. Criteria: Invitae Variant Classification Sherloc (09022015). Collection method: clinical testing. Allele origin: germline.
Comment: For these reasons, this variant has been classified as Pathogenic. ClinVar contains an entry for this variant (Variation ID: 451606). This variant has not been reported in the literature in individuals affected with ALOX12B-related conditions. This variant is present in population databases (no rsID available, gnomAD 0.0009%). This sequence change creates a premature translational stop signal (p.His98Thrfs*99) in the ALOX12B gene. It is expected to result in an absent or disrupted protein product. Loss-of-function variants in ALOX12B are known to be pathogenic (PMID: 16116617, 23621129, 31046801).

GeneDx
Classification: Likely pathogenic. Last evaluated: 2017-08-23. Review status: criteria provided, single submitter. Criteria: GeneDx Variant Classification (06012015). Collection method: clinical testing. Allele origin: germline. Affected: yes.
Comment: The c.292delC variant in the ALOX12B gene has not been reported previously as a pathogenic variant nor as a benign variant, to our knowledge. The c.292delC variant causes a frameshift starting with codon Histidine 98, changes that amino acid to a Threonine residue, and creates a premature Stop codon at position 99 of the new reading frame, denoted p.His98ThrfsX99. This variant is predicted to cause loss of normal protein function either through protein truncation or nonsense-mediated mRNA decay. This variant is not observed in large population cohorts, indicating it is not a common, benign variant (Lek et al., 2016; 1000 Genomes Consortium et al., 2015; Exome Variant Server). We interpret c.292delC as a likely pathogenic variant.

Literature cited by the submitters: PubMed 16116617 (cited by Labcorp Genetics (formerly Invitae), Labcorp); PubMed 23621129 (cited by Labcorp Genetics (formerly Invitae), Labcorp); PubMed 31046801 (cited by Labcorp Genetics (formerly Invitae), Labcorp).